The following is an entry in ClinVar:

ClinVar aggregate classification (germline): Uncertain significance (1 of 4 stars; one submission).

Conditions:
Type 2 diabetes mellitus. Also called: Type II diabetes mellitus. Identifiers: MedGen C0011860, MeSH D003924, MONDO:0005148, OMIM 125853, HP:0005978.
Hypoinsulinemic hypoglycemia and body hemihypertrophy. Also called: Hypoinsulinemic hypoglycemia and hemihypertrophy. Identifiers: Orphanet 293964, MedGen C3278384, MONDO:0009416, OMIM 240900.

Allele frequency attached by ClinVar (database versions not stated): gnomAD exomes 0.00001 and 0.00002; ExAC 0.00002.
gnomAD v4.1: 15 of 1,614,174 alleles (0.00093%); highest among the groups gnomAD compares: East Asian, 0.0022%; no homozygotes.

Submission:

Labcorp Genetics (formerly Invitae), Labcorp
Classification: Uncertain significance for Hypoinsulinemic hypoglycemia and body hemihypertrophy; Type 2 diabetes mellitus. Last evaluated: 2019-09-29. Review status: criteria provided, single submitter. Criteria: Invitae Variant Classification Sherloc (09022015). Collection method: clinical testing. Allele origin: germline.
Comment: This variant is present in population databases (rs752597471, ExAC 0.009%). In summary, the available evidence is currently insufficient to determine the role of this variant in disease. Therefore, it has been classified as a Variant of Uncertain Significance. Algorithms developed to predict the effect of missense changes on protein structure and function (SIFT, PolyPhen-2, Align-GVGD) all suggest that this variant is likely to be disruptive, but these predictions have not been confirmed by published functional studies and their clinical significance is uncertain. This variant has not been reported in the literature in individuals with AKT2-related conditions. This sequence change replaces arginine with tryptophan at codon 184 of the AKT2 protein (p.Arg184Trp). The arginine residue is highly conserved and there is a moderate physicochemical difference between arginine and tryptophan.

NM_001626.6(AKT2):c.550C>T (p.Arg184Trp)

Gene: AKT2 (AKT serine/threonine kinase 2; minus strand). Cytogenetic location: 19q13.2.
Variant type: single nucleotide variant.
Coding change: c.550C>T on transcript NM_001626.6 (MANE Select); coding-DNA position 550, C replaced by T.
Protein change: p.Arg184Trp; replaces arginine 184 with tryptophan.
Molecular consequence: missense variant.
Genome position (GRCh38, 1-based): chr19:40,241,961, G>A on the plus strand (C>T on the coding strand, the complement: AKT2 is on the minus strand). VCF-style: chr19-40241961-G-A. GRCh37 (hg19) VCF-style: chr19-40747868-G-A.
Other names: c.364C>T, p.Arg122Trp (NM_001243027.3, NM_001243028.3); c.550C>T, p.Arg184Trp (NM_001330511.1); short protein forms R184W, R122W.
Identifiers: ClinVar variation 959923 (VCV000959923.10), dbSNP rs752597471, ClinGen allele CA9441855.
Genomic context (GRCh38, chr19:40,241,961, plus strand): 5'-CACAGAGGCTCGCGAGCGCAATTCCCGGGGCACGCACCTTGGCAATGATGACTTCCTTCC[G>A]CAGGATCTTCATGGCGTAGTAGCGGCCAGTGGCCTTCTCCCGCACCAGGATGACTTTGCC-3'
Protein context (NP_001617.1, residues 174-194): TGRYYAMKIL[Arg184Trp]KEVIIAKDEV